The following is an entry in ClinVar:

NM_006059.4(LAMC3):c.3648G>A (p.Ala1216=)

Gene: LAMC3 (laminin subunit gamma 3; plus strand). Cytogenetic location: 9q34.12.
Variant type: single nucleotide variant.
Coding change: c.3648G>A on transcript NM_006059.4 (MANE Select); coding-DNA position 3648, G replaced by A.
Protein change: p.Ala1216=; no amino-acid change (alanine 1216 retained).
Molecular consequence: synonymous variant.
Genome position (GRCh38, 1-based): chr9:131,077,205, G>A. VCF-style: chr9-131077205-G-A. GRCh37 (hg19) VCF-style: chr9-133952592-G-A.
Identifiers: ClinVar variation 1548446 (VCV001548446.30), dbSNP rs754510883, ClinGen allele CA5287891.

ClinVar aggregate classification (germline): Likely benign. Review status: criteria provided, multiple submitters, no conflicts (2 of 4 stars). 2 submissions from 2 submitters: Likely benign (2). Last evaluated 2025-09-27.

Allele frequency attached by ClinVar (database versions not stated): ExAC 0.00002; gnomAD exomes 0.00003 and 0.00005; TOPMed 0.00003; 1000 Genomes Project 30x 0.00016.
gnomAD v4.1: 58 of 1,613,790 alleles (0.0036%); highest among the groups gnomAD compares: East Asian, 0.013%; no homozygotes.

Submissions (2):

Labcorp Genetics (formerly Invitae), Labcorp
Classification: Likely benign. Last evaluated: 2025-09-27. Review status: criteria provided, single submitter. Criteria: Invitae Variant Classification Sherloc (09022015). Collection method: clinical testing. Allele origin: germline.

CeGaT Center for Human Genetics Tuebingen
Classification: Likely benign. Last evaluated: 2024-01-01. Review status: criteria provided, single submitter. Criteria: CeGaT Center For Human Genetics Tuebingen Variant Classification Criteria Version 2. Collection method: clinical testing. Allele origin: germline. Affected: yes. Observed: 1 variant allele.
Comment: LAMC3: BP4, BP7